The following is an entry in ClinVar:

ClinVar aggregate classification (germline): Uncertain significance. Review status: criteria provided, multiple submitters, no conflicts (2 of 4 stars). 2 submissions from 2 submitters: Uncertain significance (2). Last evaluated 2025-07-05.

Allele frequency attached by ClinVar (database versions not stated): gnomAD exomes below 0.00001.
gnomAD v4.1: 1 of 1,614,082 alleles (0.000062%); highest among the groups gnomAD compares: Non-Finnish European, 0.000085%; no homozygotes.

Submissions (2):

GeneDx
Classification: Uncertain significance. Last evaluated: 2025-07-05. Review status: criteria provided, single submitter. Criteria: GeneDx Variant Classification Process June 2021. Collection method: clinical testing. Allele origin: germline. Affected: yes.
Comment: Not observed at significant frequency in large population cohorts (gnomAD); In silico analysis supports that this missense variant has a deleterious effect on protein structure/function; Has not been previously published as pathogenic or benign to our knowledge

Labcorp Genetics (formerly Invitae), Labcorp
Classification: Uncertain significance. Last evaluated: 2020-12-21. Review status: criteria provided, single submitter. Criteria: Invitae Variant Classification Sherloc (09022015). Collection method: clinical testing. Allele origin: germline.
Comment: Algorithms developed to predict the effect of missense changes on protein structure and function are either unavailable or do not agree on the potential impact of this missense change (SIFT: "Tolerated"; PolyPhen-2: "Probably Damaging"; Align-GVGD: "Class C0"). In summary, the available evidence is currently insufficient to determine the role of this variant in disease. Therefore, it has been classified as a Variant of Uncertain Significance. This variant has not been reported in the literature in individuals with SCN3A-related conditions. This variant is not present in population databases (ExAC no frequency). This sequence change replaces aspartic acid with glycine at codon 1687 of the SCN3A protein (p.Asp1687Gly). The aspartic acid residue is moderately conserved and there is a moderate physicochemical difference between aspartic acid and glycine.

NM_006922.4(SCN3A):c.5060A>G (p.Asp1687Gly)

Gene: SCN3A (sodium voltage-gated channel alpha subunit 3; minus strand). Cytogenetic location: 2q24.3.
Variant type: single nucleotide variant.
Coding change: c.5060A>G on transcript NM_006922.4 (MANE Select); coding-DNA position 5060, A replaced by G.
Protein change: p.Asp1687Gly; replaces aspartic acid 1687 with glycine.
Molecular consequence: missense variant.
Genome position (GRCh38, 1-based): chr2:165,091,093, T>C on the plus strand (A>G on the coding strand, the complement: SCN3A is on the minus strand). VCF-style: chr2-165091093-T-C. GRCh37 (hg19) VCF-style: chr2-165947603-T-C.
Other names: c.4913A>G, p.Asp1638Gly (NM_001081676.2, NM_001081677.2); c.5060A>G (NM_006922.3); short protein forms D1638G, D1687G.
Identifiers: ClinVar variation 1019303 (VCV001019303.9), dbSNP rs1685076943, ClinGen allele CA349017422.
Genomic context (GRCh38, chr2:165,091,093, plus strand): 5'-GTTGTAATTTGGAACAAGCAGATCATGCTGTTGCCAAAGGTCTCAAAGTTGAACATGTCA[T>C]CAATTCCAGCTTCCTTTTTAACATAGGCAAAGTTGGACATCCCAAAGATGGCATAGATAA-3'
Protein context (NP_008853.3, residues 1677-1697): FAYVKKEAGI[Asp1687Gly]DMFNFETFGN